The following is an entry in ClinVar:

NM_032620.4(GTPBP3):c.93C>T (p.Gly31=)

Gene: GTPBP3 (GTP binding protein 3, mitochondrial; plus strand). Cytogenetic location: 19p13.11.
Variant type: single nucleotide variant.
Coding change: c.93C>T on transcript NM_032620.4 (MANE Select); coding-DNA position 93, C replaced by T.
Protein change: p.Gly31=; no amino-acid change (glycine 31 retained).
Molecular consequence: synonymous variant.
Genome position (GRCh38, 1-based): chr19:17,338,047, C>T. VCF-style: chr19-17338047-C-T. GRCh37 (hg19) VCF-style: chr19-17448856-C-T.
Other names: c.93C>T, p.Gly31= (NM_001128855.3, NM_133644.4); c.159C>T, p.Gly53= (NM_001195422.1).
Identifiers: ClinVar variation 669174 (VCV000669174.33), dbSNP rs577197743, ClinGen allele CA9293229.
Genomic context (GRCh38, chr19:17,338,047, plus strand): 5'-TCGCCTCCCCTCCGGTTCCAGATTGTGCACGCGCCGGAGCAGCGGCGCACCAGCCCCCGG[C>T]TCCGGCGCCACCATCTTCGCGCTAAGCTCTGGCCAAGGCCGCTGCGGCATCGCAGTGATC-3'
Protein context (NP_116009.2, residues 21-41): TRRSSGAPAP[Gly31=]SGATIFALSS

ClinVar aggregate classification (germline): Likely benign. Review status: criteria provided, multiple submitters, no conflicts (2 of 4 stars). 4 submissions from 4 submitters: Likely benign (4). Last evaluated 2026-01-12.

Allele frequency attached by ClinVar (database versions not stated): gnomAD 0.00013 and 0.00033; gnomAD exomes 0.00021; ExAC 0.00028; TOPMed 0.00045.
gnomAD v4.1: 339 of 1,597,858 alleles (0.021%); highest among the groups gnomAD compares: Non-Finnish European, 0.025%; no homozygotes.

Submissions (4):

Labcorp Genetics (formerly Invitae), Labcorp
Classification: Likely benign. Last evaluated: 2026-01-12. Review status: criteria provided, single submitter. Criteria: Invitae Variant Classification Sherloc (09022015). Collection method: clinical testing. Allele origin: germline.

Blueprint Genetics
Classification: Likely benign. Last evaluated: 2024-11-22. Review status: criteria provided, single submitter. Criteria: ACMG Guidelines, 2015. Collection method: clinical testing. Allele origin: germline.

CeGaT Center for Human Genetics Tuebingen
Classification: Likely benign. Last evaluated: 2022-08-01. Review status: criteria provided, single submitter. Criteria: CeGaT Center For Human Genetics Tuebingen Variant Classification Criteria Version 2. Collection method: clinical testing. Allele origin: germline. Affected: yes. Observed: 1 variant allele.
Comment: GTPBP3: BP4, BP7

GeneDx
Classification: Likely benign. Last evaluated: 2018-06-18. Review status: criteria provided, single submitter. Criteria: GeneDx Variant Classification (06012015). Collection method: clinical testing. Allele origin: germline. Affected: yes.
Comment: This variant is considered likely benign or benign based on one or more of the following criteria: it is a conservative change, it occurs at a poorly conserved position in the protein, it is predicted to be benign by multiple in silico algorithms, and/or has population frequency not consistent with disease.